The following is an entry in ClinVar:

NM_007194.4(CHEK2):c.1347T>G (p.Pro449=)

Gene: CHEK2 (checkpoint kinase 2; minus strand). Cytogenetic location: 22q12.1.
Variant type: single nucleotide variant.
Coding change: c.1347T>G on transcript NM_007194.4 (MANE Select); coding-DNA position 1347, T replaced by G.
Protein change: p.Pro449=; no amino-acid change (proline 449 retained).
Molecular consequence: synonymous variant.
Genome position (GRCh38, 1-based): chr22:28,695,155, A>C on the plus strand (T>G on the coding strand, the complement: CHEK2 is on the minus strand). VCF-style: chr22-28695155-A-C. GRCh37 (hg19) VCF-style: chr22-29091143-A-C.
Other names: c.1476T>G, p.Pro492= (NM_001005735.3); c.684T>G, p.Pro228= (NM_001257387.3); c.1146T>G, p.Pro382= (NM_001349956.3); c.1260T>G, p.Pro420= (NM_145862.3).
Identifiers: ClinVar variation 3773622 (VCV003773622.2).

ClinVar aggregate classification (germline): Benign/Likely benign. Review status: criteria provided, multiple submitters, no conflicts (2 of 4 stars). 2 submissions from 2 submitters: Benign (1); Likely benign (1). Last evaluated 2025-05-19.

Conditions:
Familial cancer of breast. Also called: Hereditary breast cancer; BREAST CANCER, FAMILIAL; hereditary breast carcinoma. Identifiers: Orphanet 227535, MedGen C0346153, MONDO:0016419, OMIM 114480. Disease mechanism: loss of function.

Submissions (2):

Labcorp Genetics (formerly Invitae), Labcorp
Classification: Likely benign for Familial cancer of breast. Last evaluated: 2025-05-19. Review status: criteria provided, single submitter. Criteria: Invitae Variant Classification Sherloc (09022015). Collection method: clinical testing. Allele origin: germline.

Myriad Genetics, Inc.
Classification: Benign for Familial cancer of breast. Last evaluated: 2024-10-08. Review status: criteria provided, single submitter. Criteria: Myriad Autosomal Dominant, Autosomal Recessive and X-Linked Classification Criteria (2023). Collection method: clinical testing. Allele origin: unknown.
Comment: This variant is considered benign. This variant is a silent/synonymous amino acid change and it is not expected to impact splicing.